The following is an entry in ClinVar:

ClinVar aggregate classification (germline): Uncertain significance (1 of 4 stars; one submission).

Conditions:
Hereditary cancer-predisposing syndrome. Also called: Hereditary neoplastic syndrome; Neoplastic Syndromes, Hereditary; Tumor predisposition; Hereditary Cancer Syndrome. Identifiers: Orphanet 140162, MedGen C0027672, MeSH D009386, MONDO:0015356.

Submission:

Ambry Genetics
Classification: Uncertain significance for Hereditary cancer-predisposing syndrome. Last evaluated: 2025-06-29. Review status: criteria provided, single submitter. Criteria: Ambry Variant Classification Scheme 2023. Collection method: clinical testing. Allele origin: germline.
Comment: The p.D989H variant (also known as c.2965G>C), located in coding exon 15 of the APC gene, results from a G to C substitution at nucleotide position 2965. The aspartic acid at codon 989 is replaced by histidine, an amino acid with similar properties. This amino acid position is conserved. In addition, in silico predictors for this gene do not accurately predict pathogenicity. Based on the available evidence, the clinical significance of this variant remains unclear.

NM_000038.6(APC):c.2965G>C (p.Asp989His)

Gene: APC (APC regulator of Wnt signaling pathway; plus strand). Cytogenetic location: 5q22.2.
Variant type: single nucleotide variant.
Coding change: c.2965G>C on transcript NM_000038.6 (MANE Select); coding-DNA position 2965, G replaced by C.
Protein change: p.Asp989His; replaces aspartic acid 989 with histidine.
Molecular consequence: missense variant. On other transcripts: non-coding transcript variant (2).
Genome position (GRCh38, 1-based): chr5:112,838,559, G>C. VCF-style: chr5-112838559-G-C. GRCh37 (hg19) VCF-style: chr5-112174256-G-C.
Other names: c.2965G>C, p.Asp989His (NM_001127510.3, NM_001354895.2, NM_001407450.1); c.2911G>C, p.Asp971His (NM_001127511.3); c.3019G>C, p.Asp1007His (NM_001354896.2, NM_001407447.1, NM_001407448.1 and 1 more transcripts); c.2995G>C, p.Asp999His (NM_001354897.2); c.2890G>C, p.Asp964His (NM_001354898.2); c.2881G>C, p.Asp961His (NM_001354899.2); c.2842G>C, p.Asp948His (NM_001354900.2); c.2788G>C, p.Asp930His (NM_001354901.2, NM_001407453.1); and 11 more; short protein forms D829H, D948H, D989H, D1017H, D706H, D888H, D906H, D964H.
Identifiers: ClinVar variation 4120680 (VCV004120680.1).